The following is an entry in ClinVar:

ClinVar aggregate classification (germline): Conflicting classifications of pathogenicity. Review status: criteria provided, conflicting classifications (1 of 4 stars). 8 submissions from 6 submitters: Uncertain significance (1); Benign (3); Likely benign (4). Last evaluated 2026-05-14.

Conditions:
Channelopathy-associated congenital insensitivity to pain, autosomal recessive. Also called: ASYMBOLIA FOR PAIN; Insensitivity to pain, channelopathy-associated; CONGENITAL ANALGESIA, AUTOSOMAL RECESSIVE. Identifiers: Orphanet 88642, Orphanet 970, MedGen C1855739, MONDO:0009459, OMIM 243000.
Primary erythromelalgia. Also called: SCN9A Erythromelalgia (SCN9A-EM); primary erythermalgia. Identifiers: Orphanet 306577, Orphanet 90026, MedGen C0014805, MONDO:0007571, OMIM 133020.
SCN9A-related disorder. Also called: SCN9A-related disorders; SCN9A-related condition.
Inborn genetic diseases. Identifiers: MedGen C0950123, MeSH D030342.
Neuropathy, hereditary sensory and autonomic, type 2A (HSAN2A). Also called: ACROOSTEOLYSIS, GIACCAI TYPE; ACROOSTEOLYSIS, NEUROGENIC; NEUROPATHY, CONGENITAL SENSORY; NEUROPATHY, HEREDITARY SENSORY RADICULAR, AUTOSOMAL RECESSIVE; NEUROPATHY, HEREDITARY SENSORY, TYPE IIA; NEUROPATHY, PROGRESSIVE SENSORY, OF CHILDREN. Identifiers: Orphanet 970, MedGen C2752089, MONDO:0024309, OMIM 201300.
Generalized epilepsy with febrile seizures plus, type 7 (GEFSP7). Also called: GEFS+, TYPE 7. Identifiers: Orphanet 36387, MedGen C2751778, MONDO:0013470, OMIM 613863.
Paroxysmal extreme pain disorder (PEXPD). Also called: SCN9A Paroxysmal Extreme Pain Disorder (SCN9A-PEPD); PAIN, SUBMANDIBULAR, OCULAR, AND RECTAL, WITH FLUSHING; RECTAL PAIN, FAMILIAL. Identifiers: Orphanet 46348, MedGen C1833661, MONDO:0008179, OMIM 167400.

Allele frequency attached by ClinVar (database versions not stated): gnomAD exomes 0.00004 and 0.00012; ExAC 0.00023; TOPMed 0.00041; gnomAD 0.00042 and 0.00043; ESP Exome Variant Server 0.00054; 1000 Genomes Project 0.00140; 1000 Genomes Project 30x 0.00141.
gnomAD v4.1: 128 of 1,608,186 alleles (0.008%); highest among the groups gnomAD compares: African/African-American, 0.14%; 1 homozygote.

Submissions (8):

PreventionGenetics, part of Exact Sciences
Classification: Likely benign for SCN9A-related condition. Last evaluated: 2026-05-14. Review status: criteria provided, single submitter. Criteria: ACMG Guidelines, 2015. Collection method: clinical testing. Allele origin: germline.
Comment: This variant is classified as likely benign based on ACMG/AMP sequence variant interpretation guidelines (Richards et al. 2015 PMID: 25741868, with internal and published modifications).

Women's Health and Genetics/Laboratory Corporation of America, LabCorp
Classification: Benign. Last evaluated: 2026-02-24. Review status: criteria provided, single submitter. Criteria: LabCorp Variant Classification Summary - May 2015. Collection method: clinical testing. Allele origin: germline.
Comment: Variant summary: SCN9A c.3768T>C (p.Asp1256Asp) alters a conserved nucleotide located close to a canonical splice site and therefore could affect mRNA splicing, leading to a significantly altered protein sequence. Consensus agreement among computation tools predict no significant impact on normal splicing. However, these predictions have yet to be confirmed by functional studies. The variant allele was found at a frequency of 0.00012 in 244182 control chromosomes, predominantly at a frequency of 0.0014 within the African or African-American subpopulation in the gnomAD database. The observed variant frequency within African or African-American control individuals in the gnomAD database exceeds the estimated maximal expected allele frequency for disease-causing variants in SCN9A. To our knowledge, no occurrence of c.3768T>C in individuals affected with SCN9A-related conditions and no experimental evidence demonstrating its impact on protein function have been reported. ClinVar contains an entry for this variant (Variation ID: 331967). Based on the evidence outlined above, the variant was classified as benign.

Labcorp Genetics (formerly Invitae), Labcorp
Classification: Likely benign for Neuropathy, hereditary sensory and autonomic, type 2A; Generalized epilepsy with febrile seizures plus, type 7. Last evaluated: 2026-01-11. Review status: criteria provided, single submitter. Criteria: Invitae Variant Classification Sherloc (09022015). Collection method: clinical testing. Allele origin: germline.

GeneDx
Classification: Likely benign. Last evaluated: 2021-02-25. Review status: criteria provided, single submitter. Criteria: GeneDx Variant Classification Process June 2021. Collection method: clinical testing. Allele origin: germline. Affected: yes.

Ambry Genetics
Classification: Likely benign for Inborn genetic diseases. Last evaluated: 2020-04-13. Review status: criteria provided, single submitter. Criteria: Ambry Variant Classification Scheme 2023. Collection method: clinical testing. Allele origin: germline.

Illumina Laboratory Services, Illumina
Classification: Uncertain significance for Channelopathy-associated congenital insensitivity to pain, autosomal recessive. Last evaluated: 2018-01-13. Review status: criteria provided, single submitter. Criteria: ICSL Variant Classification Criteria 13 December 2019. Collection method: clinical testing. Allele origin: germline.

Illumina Laboratory Services, Illumina
Classification: Benign for Paroxysmal extreme pain disorder. Last evaluated: 2018-01-13. Review status: criteria provided, single submitter. Criteria: ICSL Variant Classification Criteria 13 December 2019. Collection method: clinical testing. Allele origin: germline.
Comment: This variant was observed in the ICSL laboratory as part of a predisposition screen in an ostensibly healthy population. It had not been previously curated by ICSL or reported in the Human Gene Mutation Database (HGMD: prior to June 1st, 2018), and was therefore a candidate for classification through an automated scoring system. Utilizing variant allele frequency, disease prevalence and penetrance estimates, and inheritance mode, an automated score was calculated to assess if this variant is too frequent to cause the disease. Based on the score and internal cut-off values, a variant classified as benign is not then subjected to further curation. The score for this variant resulted in a classification of benign for this disease.

Illumina Laboratory Services, Illumina
Classification: Benign for Primary erythromelalgia. Last evaluated: 2018-01-13. Review status: criteria provided, single submitter. Criteria: ICSL Variant Classification Criteria 13 December 2019. Collection method: clinical testing. Allele origin: germline.
Comment: the same text as in the submission from Illumina Laboratory Services, Illumina above.

NM_001365536.1(SCN9A):c.3801T>C (p.Asp1267=)

Genes: SCN1A-AS1 (SCN1A and SCN9A antisense RNA 1; plus strand), SCN9A (sodium voltage-gated channel alpha subunit 9; minus strand). Cytogenetic location: 2q24.3.
Variant type: single nucleotide variant.
Coding change: c.3801T>C on transcript NM_001365536.1 (MANE Select); coding-DNA position 3801, T replaced by C.
Protein change: p.Asp1267=; no amino-acid change (aspartic acid 1267 retained).
Molecular consequence: synonymous variant.
Genome position (GRCh38, 1-based): chr2:166,238,094, A>G on the plus strand (T>C on the coding strand, the complement: SCN9A is on the minus strand). VCF-style: chr2-166238094-A-G. GRCh37 (hg19) VCF-style: chr2-167094604-A-G.
Other names: c.3768T>C, p.Asp1256= (NM_002977.4).
Identifiers: ClinVar variation 331967 (VCV000331967.23), dbSNP rs202047865, ClinGen allele CA1944009.
Genomic context (GRCh38, chr2:166,238,094, plus strand): 5'-TTTTTTCACAACACACAGTAAGAATAAATCCTCTTTTAAAATGTACTCAAAAGTACCTAC[A>G]TCAACAATTAGGAAATCCAGCCAACACCAGGCATTGGTGAAATATGTTTTATAACCATAT-3'
Protein context (NP_001352465.1, residues 1257-1277): AWCWLDFLIV[Asp1267=]VSLVTLVANT